The following is an entry in ClinVar:

NM_000388.4(CASR):c.2627C>A (p.Thr876Asn)

Gene: CASR (calcium sensing receptor; plus strand). Cytogenetic location: 3q21.1.
Variant type: single nucleotide variant.
Coding change: c.2627C>A on transcript NM_000388.4 (MANE Select); coding-DNA position 2627, C replaced by A.
Protein change: p.Thr876Asn; replaces threonine 876 with asparagine.
Molecular consequence: missense variant.
Genome position (GRCh38, 1-based): chr3:122,284,581, C>A. VCF-style: chr3-122284581-C-A. GRCh37 (hg19) VCF-style: chr3-122003428-C-A.
Other names: c.2657C>A, p.Thr886Asn (NM_001178065.2); short protein forms T876N, T886N.
Identifiers: ClinVar variation 3031636 (VCV003031636.2), dbSNP rs1576878212, ClinGen allele CA354160441.

ClinVar aggregate classification (germline): Uncertain significance (0 of 4 stars; one submission).

Conditions:
CASR-related disorder. Also called: CASR-related condition.

Submission:

PreventionGenetics, part of Exact Sciences
Classification: Uncertain significance for CASR-related condition. Last evaluated: 2024-01-04. Review status: no assertion criteria provided. Collection method: clinical testing. Allele origin: germline.
Comment: The CASR c.2657C>A variant is predicted to result in the amino acid substitution p.Thr886Asn. This variant has been reported in a single patient with hypercalcemia; however, additional information to support pathogenicity was not provided (Reported as c.2627C>A, p.Thr876Asn in Nissen. 2019. PubMed ID: 31433865). This variant has not been reported in a large population database, indicating this variant is rare. Although we suspect that this variant may be pathogenic, at this time, the clinical significance of this variant is uncertain due to the absence of conclusive functional and genetic evidence.